The following is an entry in ClinVar:

ClinVar aggregate classification (germline): Pathogenic (1 of 4 stars; one submission).

Conditions:
PMM2-congenital disorder of glycosylation. Also called: CDG Ia; JAEKEN SYNDROME; PHOSPHOMANNOMUTASE 2 DEFICIENCY; CARBOHYDRATE-DEFICIENT GLYCOPROTEIN SYNDROME, TYPE Ia; Congenital disorder of glycosylation, type Ia; PMM2-CDG. Identifiers: Orphanet 79318, MedGen C0349653, MONDO:0008907, OMIM 212065.

Submission:

Labcorp Genetics (formerly Invitae), Labcorp
Classification: Pathogenic for PMM2-congenital disorder of glycosylation. Last evaluated: 2024-01-01. Review status: criteria provided, single submitter. Criteria: Invitae Variant Classification Sherloc (09022015). Collection method: clinical testing. Allele origin: unknown.
Comment: This variant is a gross deletion of the genomic region encompassing exon(s) 8 of the PMM2 gene, which includes the termination codon. This deletion extends beyond the assayed region for this gene and therefore may encompass additional genes. While this deletion is not anticipated to lead to nonsense mediated decay, it is expected to alter mRNA translation or result in a truncated protein product. A similar copy number variant has been observed in individual(s) with PMM2-CDG (PMID: 17307006). In at least one individual the data is consistent with being in trans (on the opposite chromosome) from a pathogenic variant. This variant disrupts the p.Thr237 amino acid residue in PMM2. Other variant(s) that disrupt this residue have been determined to be pathogenic (PMID: 9497260, 10602363, 15714316, 23430838, 23988505, 25355454). This suggests that this residue is clinically significant, and that variants that disrupt this residue are likely to be disease-causing. For these reasons, this variant has been classified as Pathogenic.

Literature cited by the submitters: PubMed 17307006; PubMed 9497260; PubMed 10602363; PubMed 15714316; PubMed 23430838; PubMed 23988505; PubMed 25355454.

NC_000016.9:g.(?_8941558)_(8941682_?)del

Gene: PMM2 (phosphomannomutase 2; plus strand). Cytogenetic location: 16p13.2.
Variant type: Deletion.
Identifiers: ClinVar variation 3243361 (VCV003243361.1).